The following is an entry in ClinVar:

NM_001128840.3(CACNA1D):c.3014T>A (p.Val1005Asp)

Gene: CACNA1D (calcium voltage-gated channel subunit alpha1 D; plus strand). Cytogenetic location: 3p21.1.
Variant type: single nucleotide variant.
Coding change: c.3014T>A on transcript NM_001128840.3 (MANE Select); coding-DNA position 3014, T replaced by A.
Protein change: p.Val1005Asp; replaces valine 1005 with aspartic acid.
Molecular consequence: missense variant.
Genome position (GRCh38, 1-based): chr3:53,745,631, T>A. VCF-style: chr3-53745631-T-A. GRCh37 (hg19) VCF-style: chr3-53779658-T-A.
Other names: c.3074T>A, p.Val1025Asp (NM_000720.4); c.3014T>A, p.Val1005Asp (NM_001128839.3); short protein forms V1005D, V1025D.
Identifiers: ClinVar variation 5007944 (VCV005007944.1).

ClinVar aggregate classification (germline): Uncertain significance (1 of 4 stars; one submission).

Submission:

GeneDx
Classification: Uncertain significance. Last evaluated: 2026-02-24. Review status: criteria provided, single submitter. Criteria: GeneDx Variant Classification Process June 2021. Collection method: clinical testing. Allele origin: germline.
Comment: Not observed at significant frequency in large population cohorts (gnomAD); In silico analysis supports that this missense variant has a deleterious effect on protein structure/function; Has not been previously published as pathogenic or benign to our knowledge